The following is an entry in ClinVar:

ClinVar aggregate classification (germline): Uncertain significance. Review status: criteria provided, multiple submitters, no conflicts (2 of 4 stars). 3 submissions from 3 submitters: Uncertain significance (3). Last evaluated 2026-01-13.

Conditions:
Kidney disorder. Also called: renal disorder; renal disease; Nephropathy; Kidney Diseases; Kidney disease. Identifiers: MedGen C0022658, MONDO:0005240, HP:0000112.

Allele frequency attached by ClinVar (database versions not stated): gnomAD exomes 0.00001; ExAC 0.00007; gnomAD 0.00011; ESP Exome Variant Server 0.00008; TOPMed 0.00010.
gnomAD v4.1: 39 of 1,614,042 alleles (0.0024%); highest among the groups gnomAD compares: African/African-American, 0.031%; no homozygotes.

Submissions (3):

Labcorp Genetics (formerly Invitae), Labcorp
Classification: Uncertain significance. Last evaluated: 2026-01-13. Review status: criteria provided, single submitter. Criteria: Invitae Variant Classification Sherloc (09022015). Collection method: clinical testing. Allele origin: germline.
Comment: This sequence change replaces arginine, which is basic and polar, with histidine, which is basic and polar, at codon 148 of the REN protein (p.Arg148His). This variant is present in population databases (rs371704012, gnomAD 0.03%). This variant has not been reported in the literature in individuals affected with REN-related conditions. ClinVar contains an entry for this variant (Variation ID: 1712359). Invitae Evidence Modeling of protein sequence and biophysical properties (such as structural, functional, and spatial information, amino acid conservation, physicochemical variation, residue mobility, and thermodynamic stability) indicates that this missense variant is not expected to disrupt REN protein function with a negative predictive value of 80%. In summary, the available evidence is currently insufficient to determine the role of this variant in disease. Therefore, it has been classified as a Variant of Uncertain Significance.

Revvity Omics, Revvity
Classification: Uncertain significance. Last evaluated: 2021-11-18. Review status: criteria provided, single submitter. Criteria: ACMG Guidelines, 2015. Collection method: clinical testing. Allele origin: germline.

Genome Diagnostics Laboratory, The Hospital for Sick Children
Classification: Uncertain significance for Kidney disorder. Last evaluated: 2016-12-12. Review status: criteria provided, single submitter. Criteria: ACMG Guidelines, 2015. Collection method: clinical testing. Allele origin: germline.

NM_000537.4(REN):c.443G>A (p.Arg148His)

Gene: REN (renin; minus strand). Cytogenetic location: 1q32.1.
Variant type: single nucleotide variant.
Coding change: c.443G>A on transcript NM_000537.4 (MANE Select); coding-DNA position 443, G replaced by A.
Protein change: p.Arg148His; replaces arginine 148 with histidine.
Molecular consequence: missense variant.
Genome position (GRCh38, 1-based): chr1:204,160,609, C>T on the plus strand (G>A on the coding strand, the complement: REN is on the minus strand). VCF-style: chr1-204160609-C-T. GRCh37 (hg19) VCF-style: chr1-204129737-C-T.
Other names: short protein forms R148H.
Identifiers: ClinVar variation 1712359 (VCV001712359.10), dbSNP rs371704012, ClinGen allele CA1344936.